The following is an entry in ClinVar:

ClinVar aggregate classification (germline): Conflicting classifications of pathogenicity. Review status: criteria provided, conflicting classifications (1 of 4 stars). 4 submissions from 4 submitters: Uncertain significance (3); Likely benign (1). Last evaluated 2026-06-05.

Conditions:
TTN-related disorder. Also called: TTN-related disorders; TTN-related condition; TTN-related disease.

Allele frequency attached by ClinVar (database versions not stated): ExAC 0.00002; gnomAD 0.00002 and 0.00003; TOPMed 0.00002; gnomAD exomes 0.00003 and 0.00009.
gnomAD v4.1: 131 of 1,612,226 alleles (0.0081%); highest among the groups gnomAD compares: Non-Finnish European, 0.011%; no homozygotes.

Submissions (4):

PreventionGenetics, part of Exact Sciences
Classification: Uncertain significance for TTN-related condition. Last evaluated: 2026-06-05. Review status: criteria provided, single submitter. Criteria: ACMG Guidelines, 2015. Collection method: clinical testing. Allele origin: germline.
Comment: The TTN c.46564G>C variant is predicted to result in the amino acid substitution p.Gly15522Arg. This variant has been reported in an individual with dilated cardiomyopathy (Table S3, Mazzarotto et al. 2020. PubMed ID: 31983221). This variant is reported in 0.0071% of alleles in individuals of European (Non-Finnish) descent in gnomAD. At this time, the clinical significance of this variant is uncertain due to the absence of conclusive functional and genetic evidence.

Athena Diagnostics
Classification: Uncertain significance. Last evaluated: 2021-07-17. Review status: criteria provided, single submitter. Criteria: Athena Diagnostics Criteria. Collection method: clinical testing. Allele origin: unknown.

GeneDx
Classification: Likely benign. Last evaluated: 2020-01-31. Review status: criteria provided, single submitter. Criteria: GeneDx Variant Classification Process June 2021. Collection method: clinical testing. Allele origin: germline. Affected: yes.
Comment: See Variant Classification Assertion Criteria.

Revvity Omics, Revvity
Classification: Uncertain significance. Last evaluated: 2019-08-30. Review status: criteria provided, single submitter. Criteria: ACMG Guidelines, 2015. Collection method: clinical testing. Allele origin: germline.

NM_001267550.2(TTN):c.46564G>C (p.Gly15522Arg)

Genes: TTN (titin; minus strand), TTN-AS1 (TTN antisense RNA 1; plus strand). Cytogenetic location: 2q31.2.
Variant type: single nucleotide variant.
Coding change: c.46564G>C on transcript NM_001267550.2 (MANE Select); coding-DNA position 46564, G replaced by C.
Protein change: p.Gly15522Arg; replaces glycine 15522 with arginine.
Molecular consequence: missense variant. On other transcripts: non-coding transcript variant (1).
Genome position (GRCh38, 1-based): chr2:178,619,753, C>G on the plus strand (G>C on the coding strand, the complement: TTN is on the minus strand). VCF-style: chr2-178619753-C-G. GRCh37 (hg19) VCF-style: chr2-179484480-C-G.
Other names: c.19744G>C, p.Gly6582Arg (NM_133432.3); c.19945G>C, p.Gly6649Arg (NM_133437.4); c.41641G>C, p.Gly13881Arg (NM_001256850.1); c.19369G>C, p.Gly6457Arg (NM_003319.4); c.38860G>C, p.Gly12954Arg (NM_133378.4); short protein forms G12954R, G13881R, G15522R, G6457R, G6582R, G6649R.
Identifiers: ClinVar variation 1678831 (VCV001678831.6), dbSNP rs750435043, ClinGen allele CA1995219.